The following is an entry in ClinVar:

ClinVar aggregate classification (germline): Uncertain significance (1 of 4 stars; one submission).

Allele frequency attached by ClinVar (database versions not stated): ExAC 0.00002; TOPMed 0.00004; gnomAD 0.00001.
gnomAD v4.1: 21 of 1,613,854 alleles (0.0013%); highest among the groups gnomAD compares: Middle Eastern, 0.033%; no homozygotes.

Submission:

Labcorp Genetics (formerly Invitae), Labcorp
Classification: Uncertain significance. Last evaluated: 2024-06-12. Review status: criteria provided, single submitter. Criteria: Invitae Variant Classification Sherloc (09022015). Collection method: clinical testing. Allele origin: germline.
Comment: This sequence change replaces glycine, which is neutral and non-polar, with arginine, which is basic and polar, at codon 139 of the CPOX protein (p.Gly139Arg). This variant is present in population databases (rs548849023, gnomAD 0.01%). This variant has not been reported in the literature in individuals affected with CPOX-related conditions. ClinVar contains an entry for this variant (Variation ID: 2053012). Advanced modeling of protein sequence and biophysical properties (such as structural, functional, and spatial information, amino acid conservation, physicochemical variation, residue mobility, and thermodynamic stability) performed at Invitae indicates that this missense variant is not expected to disrupt CPOX protein function with a negative predictive value of 80%. In summary, the available evidence is currently insufficient to determine the role of this variant in disease. Therefore, it has been classified as a Variant of Uncertain Significance.

NM_000097.7(CPOX):c.415G>C (p.Gly139Arg)

Gene: CPOX (coproporphyrinogen oxidase; minus strand). Cytogenetic location: 3q11.2.
Variant type: single nucleotide variant.
Coding change: c.415G>C on transcript NM_000097.7 (MANE Select); coding-DNA position 415, G replaced by C.
Protein change: p.Gly139Arg; replaces glycine 139 with arginine.
Molecular consequence: missense variant.
Genome position (GRCh38, 1-based): chr3:98,593,090, C>G on the plus strand (G>C on the coding strand, the complement: CPOX is on the minus strand). VCF-style: chr3-98593090-C-G. GRCh37 (hg19) VCF-style: chr3-98311934-C-G.
Other names: short protein forms G139R.
Identifiers: ClinVar variation 2053012 (VCV002053012.4), dbSNP rs548849023, ClinGen allele CA2511705.
Genomic context (GRCh38, chr3:98,593,090, plus strand): 5'-TCTCCAGAATCAGCAGCTCCATCTTGGTCTTCATGTCGCCCGGCCTCCTTCGCAGCTCGC[C>G]CAGGTCGGTCACAGGCGGGGCCATGAAGCTGCTGCAGCGGTGGGCCAGCTCATCCTCCTC-3'
Protein context (NP_000088.3, residues 129-149): SFMAPPVTDL[Gly139Arg]ELRRRPGDMK